The following is an entry in ClinVar:

ClinVar aggregate classification (germline): Likely pathogenic (1 of 4 stars; one submission).

Submission:

Mayo Clinic Laboratories, Mayo Clinic
Classification: Likely pathogenic. Last evaluated: 2023-12-19. Review status: criteria provided, single submitter. Criteria: ACMG Guidelines, 2015. Collection method: clinical testing. Allele origin: germline. Observed: 1 variant allele.
Comment: PM2_moderate, PVS1

NM_000552.5(VWF):c.3876del (p.Glu1292fs)

Gene: VWF (von Willebrand factor; minus strand). Cytogenetic location: 12p13.31.
Variant type: Deletion.
Coding change: c.3876del on transcript NM_000552.5 (MANE Select); coding-DNA position 3876, one base deleted (G; older notation c.3876delG).
Protein change: p.Glu1292fs; shifts the reading frame from glutamic acid 1292.
Molecular consequence: frameshift variant.
Genome position (GRCh38, 1-based): chr12:6,019,542, C deleted on the plus strand (G on the coding strand, the reverse complement: VWF is on the minus strand). VCF-style (leftmost placement, unchanged base first): chr12-6019541-AC-A. GRCh37 (hg19) VCF-style: chr12-6128707-AC-A.
Other names: p.Glu1292Aspfs*5; short protein forms E1292fs.
Identifiers: ClinVar variation 3381081 (VCV003381081.1).
Genomic context (GRCh38, chr12:6,019,541, plus strand): 5'-ACTTCTGGGAGATGCGCAGCCGCTCCATCATGTCCACCACAAAGGCCTTCAGCACTTCAA[AC>A]TCAGCCTCGGACAGCCTGGAGGAGCCATCCAGCAGGAAGACCAGGTCCAGTAGCCTGCTG-3'